The following is an entry in ClinVar:

ClinVar aggregate classification (germline): Uncertain significance. Review status: criteria provided, multiple submitters, no conflicts (2 of 4 stars). 3 submissions from 3 submitters: Uncertain significance (3). Last evaluated 2023-11-07.

Conditions:
Familial hypokalemia-hypomagnesemia (GTLMNS). Also called: HYPOMAGNESEMIA-HYPOKALEMIA, PRIMARY RENOTUBULAR, WITH HYPOCALCIURIA; POTASSIUM AND MAGNESIUM DEPLETION; gitelman syndrome. Identifiers: Orphanet 358, MedGen C0268450, MONDO:0009904, OMIM 263800.

Allele frequency attached by ClinVar (database versions not stated): gnomAD 0.00002 and 0.00003; gnomAD exomes 0.00002; TOPMed 0.00002; ExAC 0.00003.

Submissions (3):

MVZ Medizinische Genetik Mainz
Classification: Uncertain significance for Familial hypokalemia-hypomagnesemia. Last evaluated: 2023-11-07. Review status: criteria provided, single submitter. Criteria: UK Practice Guidelines For Variant Classification V4 01 2020. Collection method: clinical testing. Allele origin: germline. Inheritance: Autosomal recessive inheritance. Affected: yes. Observed: 1 variant allele.
Comment: ACMG Criteria: PM2_SUP,PM3_SUP

European Hospital Georges Pompidou Genetics Department, Assistance Publique - Hôpitaux de Paris AP-HP
Classification: Uncertain significance for Familial hypokalemia-hypomagnesemia. Last evaluated: 2022-04-27. Review status: criteria provided, single submitter. Criteria: ACMG Guidelines, 2015. Collection method: clinical testing. Allele origin: germline. Affected: yes.
Comment: ACMG criteria used:PM1, PM2,

Fulgent Genetics
Classification: Uncertain significance for Familial hypokalemia-hypomagnesemia. Last evaluated: 2021-07-06. Review status: criteria provided, single submitter. Criteria: ACMG Guidelines, 2015. Collection method: clinical testing. Allele origin: unknown.

NM_001126108.2(SLC12A3):c.727C>T (p.Arg243Trp)

Gene: SLC12A3 (solute carrier family 12 member 3; plus strand). Cytogenetic location: 16q13.
Variant type: single nucleotide variant.
Coding change: c.727C>T on transcript NM_001126108.2 (MANE Select); coding-DNA position 727, C replaced by T.
Protein change: p.Arg243Trp; replaces arginine 243 with tryptophan.
Molecular consequence: missense variant.
Genome position (GRCh38, 1-based): chr16:56,870,221, C>T. VCF-style: chr16-56870221-C-T. GRCh37 (hg19) VCF-style: chr16-56904133-C-T.
Other names: c.727C>T, p.Arg243Trp (NM_000339.3); c.724C>T, p.Arg242Trp (NM_001126107.2); short protein forms R242W, R243W.
Identifiers: ClinVar variation 1684177 (VCV001684177.3), dbSNP rs772187470, ClinGen allele CA8069160.
Genomic context (GRCh38, chr16:56,870,221, plus strand): 5'-TTCGCTTTCGCCAATGCCGTGGGTGTGGCCATGCACACGGTGGGCTTTGCAGAGACCGTG[C>T]GGGACCTGCTCCAGGTGAGGCCGGGGGGCTGGACCCTGGGTAGAGGGATCCGGGCAGCCC-3'
Protein context (NP_001119580.2, residues 233-253): MHTVGFAETV[Arg243Trp]DLLQEYGAPI